The following is an entry in ClinVar:

ClinVar aggregate classification (germline): Uncertain significance. Review status: criteria provided, multiple submitters, no conflicts (2 of 4 stars). 2 submissions from 2 submitters: Uncertain significance (2). Last evaluated 2025-06-02.

Conditions:
Cardiovascular phenotype. Identifiers: MedGen CN230736.
Hereditary cancer-predisposing syndrome. Also called: Hereditary Cancer Syndrome; Tumor predisposition; Neoplastic Syndromes, Hereditary; Hereditary neoplastic syndrome. Identifiers: Orphanet 140162, MedGen C0027672, MeSH D009386, MONDO:0015356.
Neurofibromatosis, type 1 (NF1). Also called: VON RECKLINGHAUSEN DISEASE; Neurofibromatosis, type I; NEUROFIBROMATOSIS, TYPE I, SOMATIC; Peripheral type neurofibromatosis. Identifiers: Orphanet 636, MedGen C0027831, MONDO:0018975, OMIM 162200. Disease mechanism: loss of function.

Submissions (2):

Ambry Genetics
Classification: Uncertain significance for Cardiovascular phenotype; Hereditary cancer-predisposing syndrome. Last evaluated: 2025-06-02. Review status: criteria provided, single submitter. Criteria: Ambry Variant Classification Scheme 2023. Collection method: clinical testing. Allele origin: germline.
Comment: The p.L920Q variant (also known as c.2759T>A), located in coding exon 21 of the NF1 gene, results from a T to A substitution at nucleotide position 2759. The leucine at codon 920 is replaced by glutamine, an amino acid with dissimilar properties. This amino acid position is highly conserved in available vertebrate species. In addition, this alteration is predicted to be deleterious by in silico analysis. Based on the available evidence, the clinical significance of this variant remains unclear.

Labcorp Genetics (formerly Invitae), Labcorp
Classification: Uncertain significance for Neurofibromatosis, type 1. Last evaluated: 2018-11-24. Review status: criteria provided, single submitter. Criteria: Invitae Variant Classification Sherloc (09022015). Collection method: clinical testing. Allele origin: germline.
Comment: This sequence change replaces leucine with glutamine at codon 920 of the NF1 protein (p.Leu920Gln). The leucine residue is moderately conserved and there is a moderate physicochemical difference between leucine and glutamine. Algorithms developed to predict the effect of missense changes on protein structure and function are either unavailable or do not agree on the potential impact of this missense change (SIFT: "Deleterious"; PolyPhen-2: "Possibly Damaging"; Align-GVGD: "Class C0"). This variant has not been reported in the literature in individuals with NF1-related disease. This variant is not present in population databases (ExAC no frequency). In summary, the available evidence is currently insufficient to determine the role of this variant in disease. Therefore, it has been classified as a Variant of Uncertain Significance.

NM_001042492.3(NF1):c.2759T>A (p.Leu920Gln)

Gene: NF1 (neurofibromin 1; plus strand). Cytogenetic location: 17q11.2.
Variant type: single nucleotide variant.
Coding change: c.2759T>A on transcript NM_001042492.3 (MANE Select); coding-DNA position 2759, T replaced by A.
Protein change: p.Leu920Gln; replaces leucine 920 with glutamine.
Molecular consequence: missense variant.
Genome position (GRCh38, 1-based): chr17:31,229,374, T>A. VCF-style: chr17-31229374-T-A. GRCh37 (hg19) VCF-style: chr17-29556392-T-A.
Other names: c.2759T>A, p.Leu920Gln (NM_000267.4); short protein forms L920Q.
Identifiers: ClinVar variation 649957 (VCV000649957.6), dbSNP rs199474775, ClinGen allele CA398985427.